The following is an entry in ClinVar:

NM_001024630.4(RUNX2):c.225GGCGGCTGCGGCGGCGGC[3] (p.Ala84_Ala89dup)

Genes: RUNX2 (RUNX family transcription factor 2; plus strand), LOC109611589 (runt related transcription factor 2 polyalanine expansion region; plus strand). Cytogenetic location: 6p21.1.
Variant type: Microsatellite.
Coding change: c.225GGCGGCTGCGGCGGCGGC[3] on transcript NM_001024630.4 (MANE Select); three copies in a row of the 18-base unit GGCGGCTGCGGCGGCGGC starting at c.225; the reference has two copies in a row; one copy, 18 bases duplicated.
Protein change: p.Ala84_Ala89dup.
Molecular consequence: inframe insertion.
Genome position (GRCh38, 1-based): chr6:45,422,777-45,422,794, GGCGGCTGCGGCGGCGGC duplicated; duplicating any 18 consecutive bases within chr6:45,422,750-45,422,794 gives the same sequence; the position shown is the placement nearest the transcript's 3' end. VCF-style (leftmost placement, unchanged base first): chr6-45422749-A-AGGCGGCGGCGGCGGCTGC. GRCh37 (hg19) VCF-style: chr6-45390486-A-AGGCGGCGGCGGCGGCTGC.
Other names: c.225GGCGGCTGCGGCGGCGGC[3], p.Ala84_Ala89dup (NM_001015051.4); c.183GGCGGCTGCGGCGGCGGC[3], p.Ala70_Ala75dup (NM_001278478.2, NM_001369405.1).
Identifiers: ClinVar variation 1502799 (VCV001502799.6), dbSNP rs11498192, ClinGen allele CA138434034.
Genomic context (GRCh38, chr6:45,422,749, plus strand): 5'-AGCAACAGCAGCAGCAGCAACAGCAGCAGCAGCAGCAGCAACAGCAGCAGCAGCAGCAGG[A>AGGCGGCGGCGGCGGCTGC]GGCGGCGGCGGCGGCTGCGGCGGCGGCGGCGGCTGCGGCGGCGGCAGCTGCAGTGCCCCG-3'

ClinVar aggregate classification (germline): Uncertain significance (1 of 4 stars; one submission).

Submission:

Labcorp Genetics (formerly Invitae), Labcorp
Classification: Uncertain significance. Last evaluated: 2025-10-21. Review status: criteria provided, single submitter. Criteria: Invitae Variant Classification Sherloc (09022015). Collection method: clinical testing. Allele origin: germline.
Comment: This variant, c.243_260dup, results in the insertion of 6 amino acid(s) of the RUNX2 protein (p.Ala84_Ala89dup), but otherwise preserves the integrity of the reading frame. The frequency data for this variant in the population databases is considered unreliable, as metrics indicate poor data quality at this position in the gnomAD database. This variant has not been reported in the literature in individuals affected with RUNX2-related conditions. Experimental studies and prediction algorithms are not available or were not evaluated, and the functional significance of this variant is currently unknown. In summary, the available evidence is currently insufficient to determine the role of this variant in disease. Therefore, it has been classified as a Variant of Uncertain Significance.